The following is an entry in ClinVar:

ClinVar aggregate classification (germline): Uncertain significance (1 of 4 stars; one submission).

Allele frequency attached by ClinVar (database versions not stated): gnomAD exomes below 0.00001; gnomAD 0.00001.
gnomAD v4.1: 6 of 1,614,076 alleles (0.00037%); highest among the groups gnomAD compares: Non-Finnish European, 0.00042%; no homozygotes.

Submission:

Labcorp Genetics (formerly Invitae), Labcorp
Classification: Uncertain significance. Last evaluated: 2022-10-05. Review status: criteria provided, single submitter. Criteria: Invitae Variant Classification Sherloc (09022015). Collection method: clinical testing. Allele origin: germline.
Comment: This sequence change replaces tyrosine, which is neutral and polar, with cysteine, which is neutral and slightly polar, at codon 572 of the LOXL3 protein (p.Tyr572Cys). This variant is present in population databases (no rsID available, gnomAD 0.0009%). This variant has not been reported in the literature in individuals affected with LOXL3-related conditions. Algorithms developed to predict the effect of missense changes on protein structure and function (SIFT, PolyPhen-2, Align-GVGD) all suggest that this variant is likely to be disruptive. In summary, the available evidence is currently insufficient to determine the role of this variant in disease. Therefore, it has been classified as a Variant of Uncertain Significance.

NM_032603.5(LOXL3):c.1715A>G (p.Tyr572Cys)

Gene: LOXL3 (lysyl oxidase like 3; minus strand). Cytogenetic location: 2p13.1.
Variant type: single nucleotide variant.
Coding change: c.1715A>G on transcript NM_032603.5 (MANE Select); coding-DNA position 1715, A replaced by G.
Protein change: p.Tyr572Cys; replaces tyrosine 572 with cysteine.
Molecular consequence: missense variant.
Genome position (GRCh38, 1-based): chr2:74,534,639, T>C on the plus strand (A>G on the coding strand, the complement: LOXL3 is on the minus strand). VCF-style: chr2-74534639-T-C. GRCh37 (hg19) VCF-style: chr2-74761766-T-C.
Other names: c.1280A>G, p.Tyr427Cys (NM_001289164.3); c.632A>G, p.Tyr211Cys (NM_001289165.2); short protein forms Y572C, Y211C, Y427C.
Identifiers: ClinVar variation 1969592 (VCV001969592.5), dbSNP rs1227742150, ClinGen allele CA347386007.